The following is an entry in ClinVar:

ClinVar aggregate classification (germline): Uncertain significance (1 of 4 stars; one submission).

Conditions:
Hereditary cancer-predisposing syndrome. Also called: Hereditary Cancer Syndrome; Hereditary neoplastic syndrome; Neoplastic Syndromes, Hereditary; Tumor predisposition. Identifiers: Orphanet 140162, MedGen C0027672, MeSH D009386, MONDO:0015356.

Submission:

Ambry Genetics
Classification: Uncertain significance for Hereditary cancer-predisposing syndrome. Last evaluated: 2022-10-07. Review status: criteria provided, single submitter. Criteria: Ambry Variant Classification Scheme 2023. Collection method: clinical testing. Allele origin: germline.
Comment: The p.F1840C variant (also known as c.5519T>G), located in coding exon 15 of the APC gene, results from a T to G substitution at nucleotide position 5519. The phenylalanine at codon 1840 is replaced by cysteine, an amino acid with highly dissimilar properties. This amino acid position is conserved. In addition, in silico predictors for this gene do not accurately predict pathogenicity. Since supporting evidence is limited at this time, the clinical significance of this alteration remains unclear.

NM_000038.6(APC):c.5519T>G (p.Phe1840Cys)

Gene: APC (APC regulator of Wnt signaling pathway; plus strand). Cytogenetic location: 5q22.2.
Variant type: single nucleotide variant.
Coding change: c.5519T>G on transcript NM_000038.6 (MANE Select); coding-DNA position 5519, T replaced by G.
Protein change: p.Phe1840Cys; replaces phenylalanine 1840 with cysteine.
Molecular consequence: missense variant.
Genome position (GRCh38, 1-based): chr5:112,841,113, T>G. VCF-style: chr5-112841113-T-G. GRCh37 (hg19) VCF-style: chr5-112176810-T-G.
Other names: c.5519T>G, p.Phe1840Cys (NM_001127510.3, NM_001354895.2, NM_001407450.1); c.5465T>G, p.Phe1822Cys (NM_001127511.3); c.5573T>G, p.Phe1858Cys (NM_001354896.2, NM_001407447.1, NM_001407448.1 and 1 more transcripts); c.5549T>G, p.Phe1850Cys (NM_001354897.2); c.5444T>G, p.Phe1815Cys (NM_001354898.2); c.5435T>G, p.Phe1812Cys (NM_001354899.2); c.5396T>G, p.Phe1799Cys (NM_001354900.2); c.5342T>G, p.Phe1781Cys (NM_001354901.2, NM_001407453.1); and 11 more; short protein forms F1799C, F1830C, F1833C, F1850C, F1868C, F1680C, F1711C, F1714C.
Identifiers: ClinVar variation 1748061 (VCV001748061.2), dbSNP rs2149942254, ClinGen allele CA16033408.
Genomic context (GRCh38, chr5:112,841,113, plus strand): 5'-CCAAGGTCTTCAATGATAAGCTCCCAAATAATGAAGATAGAGTCAGAGGAAGTTTTGCTT[T>G]TGATTCACCTCATCATTACACGCCTATTGAAGGAACTCCTTACTGTTTTTCACGAAATGA-3'
Protein context (NP_000029.2, residues 1830-1850): NEDRVRGSFA[Phe1840Cys]DSPHHYTPIE